The following is an entry in ClinVar:

NM_032638.5(GATA2):c.783_787dup (p.Gly263fs)

Gene: GATA2 (GATA binding protein 2; minus strand). Cytogenetic location: 3q21.3.
Variant type: Duplication.
Coding change: c.783_787dup on transcript NM_032638.5 (MANE Select); coding-DNA positions 783 to 787, 5 bases duplicated (CAGCG; older notation c.783_787dupCAGCG).
Protein change: p.Gly263fs; shifts the reading frame from glycine 263.
Molecular consequence: frameshift variant.
Genome position (GRCh38, 1-based): chr3:128,485,811-128,485,815, CGCTG duplicated on the plus strand (CAGCG on the coding strand, the reverse complement: GATA2 is on the minus strand); duplicating any 5 consecutive bases within chr3:128,485,811-128,485,816 gives the same sequence; the c. name uses the placement nearest the transcript's 3' end. VCF-style (leftmost placement, unchanged base first): chr3-128485810-C-CCGCTG. GRCh37 (hg19) VCF-style: chr3-128204653-C-CCGCTG.
Other names: c.783_787dup, p.Gly263fs (NM_001145661.2, NM_001145662.1); short protein forms G263fs.
Identifiers: ClinVar variation 2946638 (VCV002946638.3), dbSNP rs2472929964, ClinGen allele CA2740090990.

ClinVar aggregate classification (germline): Pathogenic (1 of 4 stars; one submission).

Conditions:
Deafness-lymphedema-leukemia syndrome. Also called: Lymphedema, primary, with myelodysplasia; Emberger syndrome. Identifiers: Orphanet 3226, MedGen C3279664, MONDO:0013540, OMIM 614038.
Monocytopenia with susceptibility to infections. Also called: MONOCYTOPENIA AND MYCOBACTERIAL INFECTION SYNDROME; MONOCYTOPENIA WITH SUSCEPTIBILITY TO MYCOBACTERIAL, FUNGAL, AND PAPILLOMAVIRUS INFECTIONS AND MYELODYSPLASIA; COMBINED IMMUNODEFICIENCY WITH SUSCEPTIBILITY TO MYCOBACTERIAL, VIRAL, AND FUNGAL INFECTIONS; Dendritic cell, monocyte, B lymphocyte, and natural killer lymphocyte deficiency; IMMUNODEFICIENCY 21; GATA2 DEFICIENCY. Identifiers: Orphanet 228423, MedGen C3280030, MONDO:0013607, OMIM 614172.

Submission:

Labcorp Genetics (formerly Invitae), Labcorp
Classification: Pathogenic for Monocytopenia with susceptibility to infections; Deafness-lymphedema-leukemia syndrome. Last evaluated: 2023-04-22. Review status: criteria provided, single submitter. Criteria: Invitae Variant Classification Sherloc (09022015). Collection method: clinical testing. Allele origin: germline.
Comment: This variant is not present in population databases (gnomAD no frequency). For these reasons, this variant has been classified as Pathogenic. This variant has not been reported in the literature in individuals affected with GATA2-related conditions. This sequence change creates a premature translational stop signal (p.Gly263Alafs*65) in the GATA2 gene. It is expected to result in an absent or disrupted protein product. Loss-of-function variants in GATA2 are known to be pathogenic (PMID: 21670465, 23223431).

Literature cited by the submitters: PubMed 21670465; PubMed 23223431.